The following is an entry in ClinVar:

ClinVar aggregate classification (germline): Uncertain significance. Review status: criteria provided, multiple submitters, no conflicts (2 of 4 stars). 3 submissions from 3 submitters: Uncertain significance (3). Last evaluated 2024-06-12.

Conditions:
Inborn genetic diseases. Identifiers: MedGen C0950123, MeSH D030342.
Hepatic methionine adenosyltransferase deficiency. Also called: Methionine adenosyltransferase deficiency; Deficiency of methionine adenosyltransferase; MAT I/III DEFICIENCY; Isolated Persistent Hypermethioninemia. Identifiers: Orphanet 168598, MedGen C0268621, MeSH C564683, MONDO:0009607, OMIM 250850.

Allele frequency attached by ClinVar (database versions not stated): TOPMed below 0.00001.
gnomAD v4.1: 1 of 1,613,858 alleles (0.000062%); highest among the groups gnomAD compares: South Asian, 0.0011%; no homozygotes.

Submissions (3):

Women's Health and Genetics/Laboratory Corporation of America, LabCorp
Classification: Uncertain significance. Last evaluated: 2024-06-12. Review status: criteria provided, single submitter. Criteria: LabCorp Variant Classification Summary - May 2015. Collection method: clinical testing. Allele origin: germline.
Comment: Variant summary: MAT1A c.1150G>A (p.Glu384Lys) results in a conservative amino acid change located in the S-adenosylmethionine synthetase, C-terminal (IPR022630) of the encoded protein sequence. Three of five in-silico tools predict a damaging effect of the variant on protein function. The variant was absent in 250506 control chromosomes. The available data on variant occurrences in the general population are insufficient to allow any conclusion about variant significance. To our knowledge, no occurrence of c.1150G>A in individuals affected with hepatic methionine adenosyltransferase deficiency and no experimental evidence demonstrating its impact on protein function have been reported. ClinVar contains an entry for this variant (Variation ID: 2144098). Based on the evidence outlined above, the variant was classified as uncertain significance.

Ambry Genetics
Classification: Uncertain significance for Inborn genetic diseases. Last evaluated: 2024-06-07. Review status: criteria provided, single submitter. Criteria: Ambry Variant Classification Scheme 2023. Collection method: clinical testing. Allele origin: germline.

Labcorp Genetics (formerly Invitae), Labcorp
Classification: Uncertain significance for Hepatic methionine adenosyltransferase deficiency. Last evaluated: 2022-08-08. Review status: criteria provided, single submitter. Criteria: Invitae Variant Classification Sherloc (09022015). Collection method: clinical testing. Allele origin: germline.
Comment: In summary, the available evidence is currently insufficient to determine the role of this variant in disease. Therefore, it has been classified as a Variant of Uncertain Significance. Algorithms developed to predict the effect of missense changes on protein structure and function are either unavailable or do not agree on the potential impact of this missense change (SIFT: "Deleterious"; PolyPhen-2: "Benign"; Align-GVGD: "Class C0"). This variant has not been reported in the literature in individuals affected with MAT1A-related conditions. This variant is present in population databases (no rsID available, gnomAD 0.007%). This sequence change replaces glutamic acid, which is acidic and polar, with lysine, which is basic and polar, at codon 384 of the MAT1A protein (p.Glu384Lys).

NM_000429.3(MAT1A):c.1150G>A (p.Glu384Lys)

Genes: MAT1A (methionine adenosyltransferase 1A; minus strand), LOC126860980 (CDK7 strongly-dependent group 2 enhancer GRCh37_chr10:82032694-82033893; plus strand). Cytogenetic location: 10q22.3.
Variant type: single nucleotide variant.
Coding change: c.1150G>A on transcript NM_000429.3 (MANE Select); coding-DNA position 1150, G replaced by A.
Protein change: p.Glu384Lys; replaces glutamic acid 384 with lysine.
Molecular consequence: missense variant.
Genome position (GRCh38, 1-based): chr10:80,273,819, C>T on the plus strand (G>A on the coding strand, the complement: MAT1A is on the minus strand). VCF-style: chr10-80273819-C-T. GRCh37 (hg19) VCF-style: chr10-82033575-C-T.
Other names: c.1150G>A (NM_000429.2); short protein forms E384K.
Identifiers: ClinVar variation 2144098 (VCV002144098.6), dbSNP rs773105969, ClinGen allele CA377360089.